The following is an entry in ClinVar:

ClinVar aggregate classification (germline): Uncertain significance (1 of 4 stars; one submission).

gnomAD v4.1: 4 of 1,614,088 alleles (0.00025%); highest among the groups gnomAD compares: Non-Finnish European, 0.00034%; no homozygotes.

Submission:

Labcorp Genetics (formerly Invitae), Labcorp
Classification: Uncertain significance. Last evaluated: 2024-07-30. Review status: criteria provided, single submitter. Criteria: Invitae Variant Classification Sherloc (09022015). Collection method: clinical testing. Allele origin: germline.
Comment: This sequence change replaces alanine, which is neutral and non-polar, with valine, which is neutral and non-polar, at codon 897 of the SON protein (p.Ala897Val). This variant is not present in population databases (gnomAD no frequency). This variant has not been reported in the literature in individuals affected with SON-related conditions. An algorithm developed to predict the effect of missense changes on protein structure and function (PolyPhen-2) suggests that this variant is likely to be disruptive. In summary, the available evidence is currently insufficient to determine the role of this variant in disease. Therefore, it has been classified as a Variant of Uncertain Significance.

NM_138927.4(SON):c.2690C>T (p.Ala897Val)

Gene: SON (SON DNA and RNA binding protein; plus strand). Cytogenetic location: 21q22.11.
Variant type: single nucleotide variant.
Coding change: c.2690C>T on transcript NM_138927.4 (MANE Select); coding-DNA position 2690, C replaced by T.
Protein change: p.Ala897Val; replaces alanine 897 with valine.
Molecular consequence: missense variant. On other transcripts: non-coding transcript variant (1), intron variant (1).
Genome position (GRCh38, 1-based): chr21:33,551,921, C>T. VCF-style: chr21-33551921-C-T. GRCh37 (hg19) VCF-style: chr21-34924227-C-T.
Other names: c.2690C>T, p.Ala897Val (NM_001291411.2, NM_032195.3); c.245-5235C>T (NM_001291412.3); short protein forms A897V.
Identifiers: ClinVar variation 3622947 (VCV003622947.2).
Genomic context (GRCh38, chr21:33,551,921, plus strand): 5'-CTTCTGGCACCATGGATGCTCAGATGTTAGCGTCTGGTACCATGGATGCCCAGATGTTAG[C>T]GTCTAGTACCCAAGATTCTGCTATGTTGGGTTCAAAATCTCCTGATCCCTATAGGTTAGC-3'
Protein context (NP_620305.3, residues 887-907): ASGTMDAQML[Ala897Val]SSTQDSAMLG